The following is an entry in ClinVar:

ClinVar aggregate classification (germline): Pathogenic (1 of 4 stars; one submission).

Conditions:
Peutz-Jeghers syndrome (PJS). Also called: POLYPOSIS, HAMARTOMATOUS INTESTINAL; POLYPS-AND-SPOTS SYNDROME; Peutz-Jeghers polyposis; Periorificial lentiginosis syndrome. Identifiers: Orphanet 2869, MedGen C0031269, MeSH D010580, MONDO:0008280, OMIM 175200.

Submission:

Labcorp Genetics (formerly Invitae), Labcorp
Classification: Pathogenic for Peutz-Jeghers syndrome. Last evaluated: 2026-01-14. Review status: criteria provided, single submitter. Criteria: Invitae Variant Classification Sherloc (09022015). Collection method: clinical testing. Allele origin: germline.
Comment: This sequence change creates a premature translational stop signal (p.Glu265*) in the STK11 gene. It is expected to result in an absent or disrupted protein product. Loss-of-function variants in STK11 are known to be pathogenic (PMID: 15188174, 16287113). This variant is not present in population databases (gnomAD no frequency). This premature translational stop signal has been observed in individual(s) with Peutz-Jeghers syndrome (PMID: 23892522). This variant is also known as c.792_793insT. For these reasons, this variant has been classified as Pathogenic.

Literature cited by the submitters: PubMed 15188174; PubMed 16287113; PubMed 23892522.

NM_000455.5(STK11):c.792dup (p.Glu265Ter)

Gene: STK11 (serine/threonine kinase 11; plus strand). Cytogenetic location: 19p13.3.
Variant type: Duplication.
Coding change: c.792dup on transcript NM_000455.5 (MANE Select); coding-DNA position 792, one base duplicated (T; older notation c.792dupT).
Protein change: p.Glu265Ter; replaces glutamic acid 265 with a stop codon.
Molecular consequence: nonsense. On other transcripts: non-coding transcript variant (1).
Genome position (GRCh38, 1-based): chr19:1,221,270, T duplicated; the last of 3 consecutive T bases (chr19:1,221,268-1,221,270); duplicating any one gives the same sequence. VCF-style (leftmost placement, unchanged base first): chr19-1221267-G-GT. GRCh37 (hg19) VCF-style: chr19-1221266-G-GT.
Other names: c.792dup, p.Glu265Ter (NM_001407255.1); short protein forms E265*.
Identifiers: ClinVar variation 4710472 (VCV004710472.1).